The following is an entry in ClinVar:

NM_000051.4(ATM):c.72+3A>G

Gene: ATM (ATM serine/threonine kinase; plus strand). Cytogenetic location: 11q22.3.
Variant type: single nucleotide variant.
Coding change: c.72+3A>G on transcript NM_000051.4 (MANE Select); 3 bases into the intron after coding-DNA position 72, A replaced by G.
Molecular consequence: intron variant.
Genome position (GRCh38, 1-based): chr11:108,227,699, A>G. VCF-style: chr11-108227699-A-G. GRCh37 (hg19) VCF-style: chr11-108098426-A-G.
Other names: c.72+3A>G (NM_001351834.2, NM_001351835.2, NM_001351836.2).
Identifiers: ClinVar variation 3450555 (VCV003450555.2).
Genomic context (GRCh38, chr11:108,227,699, plus strand): 5'-TAATGATCTGCTTATCTGCTGCCGTCAACTAGAACATGATAGAGCTACAGAACGAAAGGT[A>G]GTAAATTACTTAAATTCAATTTTTCCTTGAAATAAGTGTGATTAGTAACCCATTATTATT-3'

ClinVar aggregate classification (germline): Uncertain significance. Review status: criteria provided, multiple submitters, no conflicts (2 of 4 stars). 2 submissions from 2 submitters: Uncertain significance (2). Last evaluated 2025-03-10.

Conditions:
Hereditary cancer-predisposing syndrome. Also called: Hereditary Cancer Syndrome; Hereditary neoplastic syndrome; Neoplastic Syndromes, Hereditary; Tumor predisposition. Identifiers: Orphanet 140162, MedGen C0027672, MeSH D009386, MONDO:0015356.
Ataxia-telangiectasia syndrome (AT). Also called: AT, COMPLEMENTATION GROUP C; Cerebello-oculocutaneous telangiectasia; Immunodeficiency with ataxia telangiectasia; Ataxia-telangiectasia, complementation group D; Ataxia-telangiectasia; LOUIS-BAR SYNDROME. Identifiers: Orphanet 100, MedGen C0004135, MONDO:0008840, OMIM 208900.

Submissions (2):

Labcorp Genetics (formerly Invitae), Labcorp
Classification: Uncertain significance for Ataxia-telangiectasia syndrome. Last evaluated: 2025-03-10. Review status: criteria provided, single submitter. Criteria: Invitae Variant Classification Sherloc (09022015). Collection method: clinical testing. Allele origin: germline.
Comment: This sequence change falls in intron 2 of the ATM gene. It does not directly change the encoded amino acid sequence of the ATM protein. It affects a nucleotide within the consensus splice site. This variant is not present in population databases (gnomAD no frequency). This variant has not been reported in the literature in individuals affected with ATM-related conditions. ClinVar contains an entry for this variant (Variation ID: 3450555). Variants that disrupt the consensus splice site are a relatively common cause of aberrant splicing (PMID: 17576681, 9536098). Algorithms developed to predict the effect of sequence changes on RNA splicing suggest that this variant may disrupt the consensus splice site. In summary, the available evidence is currently insufficient to determine the role of this variant in disease. Therefore, it has been classified as a Variant of Uncertain Significance.

Ambry Genetics
Classification: Uncertain significance for Hereditary cancer-predisposing syndrome. Last evaluated: 2024-08-22. Review status: criteria provided, single submitter. Criteria: Ambry Variant Classification Scheme 2023. Collection method: clinical testing. Allele origin: germline.
Comment: The c.72+3A>G intronic variant results from an A to G substitution 3 nucleotides after coding exon 1 in the ATM gene. This nucleotide position is well conserved in available vertebrate species. In silico splice site analysis predicts that this alteration may weaken the native splice donor site. Based on the available evidence, the clinical significance of this variant remains unclear.

Literature cited by the submitters: PubMed 17576681 (cited by Labcorp Genetics (formerly Invitae), Labcorp); PubMed 9536098 (cited by Labcorp Genetics (formerly Invitae), Labcorp).